The following is an entry in ClinVar:

NM_172362.3(KCNH1):c.1968G>C (p.Gln656His)

Gene: KCNH1 (potassium voltage-gated channel subfamily H member 1; minus strand). Cytogenetic location: 1q32.2.
Variant type: single nucleotide variant.
Coding change: c.1968G>C on transcript NM_172362.3 (MANE Select); coding-DNA position 1968, G replaced by C.
Protein change: p.Gln656His; replaces glutamine 656 with histidine.
Molecular consequence: missense variant.
Genome position (GRCh38, 1-based): chr1:210,775,492, C>G on the plus strand (G>C on the coding strand, the complement: KCNH1 is on the minus strand). VCF-style: chr1-210775492-C-G. GRCh37 (hg19) VCF-style: chr1-210948834-C-G.
Other names: c.1887G>C, p.Gln629His (NM_002238.4); short protein forms Q656H, Q629H.
Identifiers: ClinVar variation 2781310 (VCV002781310.3), dbSNP rs1176017225, ClinGen allele CA344872189.

ClinVar aggregate classification (germline): Uncertain significance (1 of 4 stars; one submission).

Allele frequency attached by ClinVar (database versions not stated): TOPMed below 0.00001.

Submission:

Labcorp Genetics (formerly Invitae), Labcorp
Classification: Uncertain significance. Last evaluated: 2023-08-02. Review status: criteria provided, single submitter. Criteria: Invitae Variant Classification Sherloc (09022015). Collection method: clinical testing. Allele origin: germline.
Comment: In summary, the available evidence is currently insufficient to determine the role of this variant in disease. Therefore, it has been classified as a Variant of Uncertain Significance. Advanced modeling of protein sequence and biophysical properties (such as structural, functional, and spatial information, amino acid conservation, physicochemical variation, residue mobility, and thermodynamic stability) performed at Invitae indicates that this missense variant is not expected to disrupt KCNH1 protein function. This variant has not been reported in the literature in individuals affected with KCNH1-related conditions. This variant is not present in population databases (gnomAD no frequency). This sequence change replaces glutamine, which is neutral and polar, with histidine, which is basic and polar, at codon 656 of the KCNH1 protein (p.Gln656His).